The following is an entry in ClinVar:

NM_003247.5(THBS2):c.459C>T (p.Thr153=)

Gene: THBS2 (thrombospondin 2; minus strand). Cytogenetic location: 6q27.
Variant type: single nucleotide variant.
Coding change: c.459C>T on transcript NM_003247.5 (MANE Select); coding-DNA position 459, C replaced by T.
Protein change: p.Thr153=; no amino-acid change (threonine 153 retained).
Molecular consequence: synonymous variant. On other transcripts: non-coding transcript variant (2).
Genome position (GRCh38, 1-based): chr6:169,248,567, G>A on the plus strand (C>T on the coding strand, the complement: THBS2 is on the minus strand). VCF-style: chr6-169248567-G-A. GRCh37 (hg19) VCF-style: chr6-169648662-G-A.
Other names: c.459C>T, p.Thr153= (NM_001381939.1, NM_001381940.1, NM_001381941.1); c.228C>T, p.Thr76= (NM_001381942.1).
Identifiers: ClinVar variation 3048185 (VCV003048185.2), dbSNP rs141150786, ClinGen allele CA4103658.

ClinVar aggregate classification (germline): Likely benign (0 of 4 stars; one submission).

Conditions:
THBS2-related disorder. Also called: THBS2-related condition.

Allele frequency attached by ClinVar (database versions not stated): 1000 Genomes Project 0.00040; 1000 Genomes Project 30x 0.00047; ESP Exome Variant Server 0.00092.
gnomAD v4.1: 227 of 1,613,998 alleles (0.014%); highest among the groups gnomAD compares: African/African-American, 0.21%; no homozygotes.

Submission:

PreventionGenetics, part of Exact Sciences
Classification: Likely benign for THBS2-related condition. Last evaluated: 2019-03-20. Review status: no assertion criteria provided. Collection method: clinical testing. Allele origin: germline.
Comment: This variant is classified as likely benign based on ACMG/AMP sequence variant interpretation guidelines (Richards et al. 2015 PMID: 25741868, with internal and published modifications).